The following is an entry in ClinVar:

ClinVar aggregate classification (germline): Uncertain significance (1 of 4 stars; one submission).

Allele frequency attached by ClinVar (database versions not stated): gnomAD 0.00001; TOPMed 0.00001; ExAC 0.00002; gnomAD exomes 0.00003.
gnomAD v4.1: 19 of 780,758 alleles (0.0024%); highest among the groups gnomAD compares: Non-Finnish European, 0.0038%; no homozygotes.

Submission:

Labcorp Genetics (formerly Invitae), Labcorp
Classification: Uncertain significance. Last evaluated: 2023-09-30. Review status: criteria provided, single submitter. Criteria: Invitae Variant Classification Sherloc (09022015). Collection method: clinical testing. Allele origin: germline.
Comment: This sequence change replaces arginine, which is basic and polar, with glutamine, which is neutral and polar, at codon 1072 of the ADCY1 protein (p.Arg1072Gln). This variant is present in population databases (rs775166558, gnomAD 0.005%). This variant has not been reported in the literature in individuals affected with ADCY1-related conditions. Algorithms developed to predict the effect of missense changes on protein structure and function output the following: SIFT: "Not Available"; PolyPhen-2: "Benign"; Align-GVGD: "Not Available". The glutamine amino acid residue is found in multiple mammalian species, which suggests that this missense change does not adversely affect protein function. In summary, the available evidence is currently insufficient to determine the role of this variant in disease. Therefore, it has been classified as a Variant of Uncertain Significance.

NM_021116.4(ADCY1):c.3215G>A (p.Arg1072Gln)

Gene: ADCY1 (adenylate cyclase 1; plus strand). Cytogenetic location: 7p12.3.
Variant type: single nucleotide variant.
Coding change: c.3215G>A on transcript NM_021116.4 (MANE Select); coding-DNA position 3215, G replaced by A.
Protein change: p.Arg1072Gln; replaces arginine 1072 with glutamine.
Molecular consequence: missense variant.
Genome position (GRCh38, 1-based): chr7:45,713,850, G>A. VCF-style: chr7-45713850-G-A. GRCh37 (hg19) VCF-style: chr7-45753449-G-A.
Other names: short protein forms R1072Q.
Identifiers: ClinVar variation 2915892 (VCV002915892.3), dbSNP rs775166558, ClinGen allele CA4249451.